The following is an entry in ClinVar:

NM_001083961.2(WDR62):c.1313G>A (p.Arg438His)

Gene: WDR62 (WD repeat domain 62; plus strand). Cytogenetic location: 19q13.12.
Variant type: single nucleotide variant.
Coding change: c.1313G>A on transcript NM_001083961.2 (MANE Select); coding-DNA position 1313, G replaced by A.
Protein change: p.Arg438His; replaces arginine 438 with histidine.
Molecular consequence: missense variant.
Genome position (GRCh38, 1-based): chr19:36,081,512, G>A. VCF-style: chr19-36081512-G-A. GRCh37 (hg19) VCF-style: chr19-36572414-G-A.
Other names: c.1313G>A, p.Arg438His (NM_173636.5); short protein forms R438H.
Identifiers: ClinVar variation 31035 (VCV000031035.7), dbSNP rs387907082, ClinGen allele CA259972.
Genomic context (GRCh38, chr19:36,081,512, plus strand): 5'-ACCAGAGAGCTTGTTTGCCATCAGGATCCTTTCTGACTTGTTCTTCAGACAACACCATTC[G>A]CTTCTGGAACTTGGACAGCAGCCCTGATTCTCACTGGCAGAAAAACATCTTCAGCAATGT-3'
Protein context (NP_001077430.1, residues 428-448): FLTCSSDNTI[Arg438His]FWNLDSSPDS

ClinVar aggregate classification (germline): Pathogenic/Likely pathogenic. Review status: criteria provided, multiple submitters, no conflicts (2 of 4 stars). 3 submissions from 3 submitters: Pathogenic (1); Likely pathogenic (1). 1 of the submissions does not count toward it. Last evaluated 2024-05-03.

Conditions:
Microcephaly 2, primary, autosomal recessive, with or without cortical malformations. Also called: WDR62 Primary Microcephaly; MICROCEPHALY 2, PRIMARY, AUTOSOMAL RECESSIVE, WITH CORTICAL MALFORMATIONS. Identifiers: Orphanet 2512, MedGen C1858535, MONDO:0011435, OMIM 604317.

Allele frequency attached by ClinVar (database versions not stated): gnomAD exomes below 0.00001; gnomAD 0.00001; TOPMed 0.00001.
gnomAD v4.1: 7 of 1,614,036 alleles (0.00043%); highest among the groups gnomAD compares: South Asian, 0.0022%; no homozygotes.

Submissions (3):

Fulgent Genetics
Classification: Likely pathogenic for Microcephaly 2, primary, autosomal recessive, with or without cortical malformations. Last evaluated: 2024-05-03. Review status: criteria provided, single submitter. Criteria: ACMG Guidelines, 2015. Collection method: clinical testing. Allele origin: germline.

Labcorp Genetics (formerly Invitae), Labcorp
Classification: Pathogenic. Last evaluated: 2017-09-15. Review status: criteria provided, single submitter. Criteria: Invitae Variant Classification Sherloc (09022015). Collection method: clinical testing. Allele origin: germline.
Comment: Experimental studies have shown that this missense change disrupts WDR62 protein-protein interactions and sub-cellular localization, both in cells derived from affected individuals and in cell culture expression studies (PMID: 20890279, 24228726, 25501809, 26713495). For these reasons, this variant has been classified as Pathogenic. This variant has been reported in several individuals affected with primary microcephaly (PMID: 20890279, 219661505, 22775483, 24228726) and segregates with disease in at least one family (PMID: 10573015, 20890279). ClinVar contains an entry for this variant (Variation ID: 31035). This variant is not present in population databases (ExAC no frequency). This sequence change replaces arginine with histidine at codon 438 of the WDR62 protein (p.Arg438His). The arginine residue is highly conserved and there is a small physicochemical difference between arginine and histidine.

OMIM
Classification: Pathogenic for MICROCEPHALY 2, PRIMARY, AUTOSOMAL RECESSIVE. Last evaluated: 2010-11-01. Review status: no assertion criteria provided. Collection method: literature only. Allele origin: germline. Not counted in ClinVar's aggregate classification.

Literature cited by the submitters: PubMed 20890279 (cited by Labcorp Genetics (formerly Invitae), Labcorp and OMIM); PubMed 24228726 (cited by Labcorp Genetics (formerly Invitae), Labcorp); PubMed 25501809 (cited by Labcorp Genetics (formerly Invitae), Labcorp); PubMed 26713495 (cited by Labcorp Genetics (formerly Invitae), Labcorp); PubMed 219661505 (cited by Labcorp Genetics (formerly Invitae), Labcorp); PubMed 22775483 (cited by Labcorp Genetics (formerly Invitae), Labcorp); PubMed 10573015 (cited by Labcorp Genetics (formerly Invitae), Labcorp and OMIM).